The following is an entry in ClinVar:

NM_000094.4(COL7A1):c.7758+5G>A

Gene: COL7A1 (collagen type VII alpha 1 chain; minus strand). Cytogenetic location: 3p21.31.
Variant type: single nucleotide variant.
Coding change: c.7758+5G>A on transcript NM_000094.4 (MANE Select); 5 bases into the intron after coding-DNA position 7758, G replaced by A.
Molecular consequence: intron variant.
Genome position (GRCh38, 1-based): chr3:48,568,779, C>T on the plus strand (G>A on the coding strand, the complement: COL7A1 is on the minus strand). VCF-style: chr3-48568779-C-T. GRCh37 (hg19) VCF-style: chr3-48606212-C-T.
Identifiers: ClinVar variation 3609508 (VCV003609508.3).

ClinVar aggregate classification (germline): Uncertain significance. Review status: criteria provided, multiple submitters, no conflicts (2 of 4 stars). 2 submissions from 2 submitters: Uncertain significance (2). Last evaluated 2025-10-17.

gnomAD v4.1: 3 of 1,565,184 alleles (0.00019%); highest among the groups gnomAD compares: Admixed American, 0.0038%; no homozygotes.

Submissions (2):

Women's Health and Genetics/Laboratory Corporation of America, LabCorp
Classification: Uncertain significance. Last evaluated: 2025-10-17. Review status: criteria provided, single submitter. Criteria: LabCorp Variant Classification Summary - May 2015. Collection method: clinical testing. Allele origin: germline.

Labcorp Genetics (formerly Invitae), Labcorp
Classification: Uncertain significance. Last evaluated: 2024-10-14. Review status: criteria provided, single submitter. Criteria: Invitae Variant Classification Sherloc (09022015). Collection method: clinical testing. Allele origin: germline.
Comment: This sequence change falls in intron 103 of the COL7A1 gene. It does not directly change the encoded amino acid sequence of the COL7A1 protein. It affects a nucleotide within the consensus splice site. The frequency data for this variant in the population databases is considered unreliable, as metrics indicate poor data quality at this position in the gnomAD database. This variant has not been reported in the literature in individuals affected with COL7A1-related conditions. Variants that disrupt the consensus splice site are a relatively common cause of aberrant splicing (PMID: 17576681, 9536098). Algorithms developed to predict the effect of sequence changes on RNA splicing suggest that this variant may disrupt the consensus splice site. In summary, the available evidence is currently insufficient to determine the role of this variant in disease. Therefore, it has been classified as a Variant of Uncertain Significance.

Literature cited by the submitters: PubMed 17576681 (cited by Labcorp Genetics (formerly Invitae), Labcorp); PubMed 9536098 (cited by Labcorp Genetics (formerly Invitae), Labcorp).